The following is an entry in ClinVar:

NM_020922.5(WNK3):c.2308A>G (p.Met770Val)

Gene: WNK3 (WNK lysine deficient protein kinase 3; minus strand). Cytogenetic location: Xp11.22.
Variant type: single nucleotide variant.
Coding change: c.2308A>G on transcript NM_020922.5 (MANE Select); coding-DNA position 2308, A replaced by G.
Protein change: p.Met770Val; replaces methionine 770 with valine.
Molecular consequence: missense variant.
Genome position (GRCh38, 1-based): chrX:54,254,018, T>C on the plus strand (A>G on the coding strand, the complement: WNK3 is on the minus strand). VCF-style: chrX-54254018-T-C. GRCh37 (hg19) VCF-style: chrX-54280451-T-C.
Other names: c.2308A>G, p.Met770Val (NM_001002838.4, NM_001395166.1); short protein forms M770V.
Identifiers: ClinVar variation 3368408 (VCV003368408.1).

ClinVar aggregate classification (germline): Uncertain significance (1 of 4 stars; one submission).

gnomAD v4.1: 1 of 1,209,949 alleles (0.000083%); highest among the groups gnomAD compares: Non-Finnish European, 0.00011%; no homozygotes.

Submission:

GeneDx
Classification: Uncertain significance. Last evaluated: 2024-01-25. Review status: criteria provided, single submitter. Criteria: GeneDx Variant Classification Process June 2021. Collection method: clinical testing. Allele origin: germline. Affected: yes.
Comment: Not observed at significant frequency in large population cohorts (gnomAD); In silico analysis supports that this missense variant has a deleterious effect on protein structure/function; Has not been previously published as pathogenic or benign to our knowledge